The following is an entry in ClinVar:

NM_002470.4(MYH3):c.1079A>G (p.Tyr360Cys)

Gene: MYH3 (myosin heavy chain 3; minus strand). Cytogenetic location: 17p13.1.
Variant type: single nucleotide variant.
Coding change: c.1079A>G on transcript NM_002470.4 (MANE Select); coding-DNA position 1079, A replaced by G.
Protein change: p.Tyr360Cys; replaces tyrosine 360 with cysteine.
Molecular consequence: missense variant.
Genome position (GRCh38, 1-based): chr17:10,645,769, T>C on the plus strand (A>G on the coding strand, the complement: MYH3 is on the minus strand). VCF-style: chr17-10645769-T-C. GRCh37 (hg19) VCF-style: chr17-10549086-T-C.
Other names: short protein forms Y360C.
Identifiers: ClinVar variation 4855446 (VCV004855446.1).
Genomic context (GRCh38, chr17:10,645,769, plus strand): 5'-TCTGTGCCATCCGGCTCGGCCTGCTCCTCTCGCTGCTTCTGCTTGAACTTCATGTTCCCG[T>C]AGTGCATCACGGCTCCCGTCAGCTTGTAGAGCCCAGATTTCTCTTCTGGGGTGAAGCCCA-3'
Protein context (NP_002461.2, residues 350-370): LYKLTGAVMH[Tyr360Cys]GNMKFKQKQR

ClinVar aggregate classification (germline): Uncertain significance (1 of 4 stars; one submission).

Conditions:
Contractures, pterygia, and variable skeletal fusions syndrome 1B. Also called: CONTRACTURES, PTERYGIA, AND SPONDYLOCARPOTARSAL FUSION SYNDROME 1B. Identifiers: MedGen C5193114, MONDO:0020746, OMIM 618469.

Submission:

3billion
Classification: Uncertain significance for Contractures, pterygia, and variable skeletal fusions syndrome 1B. Last evaluated: 2025-09-05. Review status: criteria provided, single submitter. Criteria: ACMG Guidelines, 2015. Collection method: clinical testing. Allele origin: germline. Affected: yes.
Comment: The variant is observed at an extremely low frequency in the gnomAD v4.1.0 dataset (total allele frequency: <0.001%). Predicted Consequence/Location: Missense variant In silico tool predictions suggest damaging effect of the variant on gene or gene product [REVEL: 0.74 (>=0.6, sensitivity 0.68 and specificity 0.92)]. Therefore, this variant is classified as VUS according to the recommendation of ACMG/AMP guideline.